The following is an entry in ClinVar:

NM_017849.4(TMEM127):c.652G>C (p.Glu218Gln)

Gene: TMEM127 (transmembrane protein 127; minus strand). Cytogenetic location: 2q11.2.
Variant type: single nucleotide variant.
Coding change: c.652G>C on transcript NM_017849.4 (MANE Select); coding-DNA position 652, G replaced by C.
Protein change: p.Glu218Gln; replaces glutamic acid 218 with glutamine.
Molecular consequence: missense variant.
Genome position (GRCh38, 1-based): chr2:96,253,873, C>G on the plus strand (G>C on the coding strand, the complement: TMEM127 is on the minus strand). VCF-style: chr2-96253873-C-G. GRCh37 (hg19) VCF-style: chr2-96919611-C-G.
Other names: c.400G>C, p.Glu134Gln (NM_001407283.1, NM_001407282.1); c.652G>C, p.Glu218Gln (NM_001193304.3); short protein forms E134Q, E218Q.
Identifiers: ClinVar variation 4804841 (VCV004804841.2).
Genomic context (GRCh38, chr2:96,253,873, plus strand): 5'-GTGTGTAAGCAGGGGGTGGCTGGAACTGGTTGATGACCTCATATTCCGCCGGGTAGGGCT[C>G]GTTCTCTTCCATCTCTGAGAGCAGCTCCAGCGCCTGCTCCTCTTCCTCTGTGGGGTAGTG-3'
Protein context (NP_060319.1, residues 208-228): LELLSEMEEN[Glu218Gln]PYPAEYEVIN

ClinVar aggregate classification (germline): Uncertain significance. Review status: criteria provided, multiple submitters, no conflicts (2 of 4 stars). 2 submissions from 2 submitters: Uncertain significance (2). Last evaluated 2026-02-19.

Conditions:
Hereditary pheochromocytoma and paraganglioma. Also called: Hereditary Paraganglioma-Pheochromocytoma Syndromes; Hereditary paragangliomas and pheochromocytomas; Hereditary pheochromocytoma-paraganglioma. Identifiers: Orphanet 29072, MedGen C4274332, MONDO:0017366.
Hereditary cancer-predisposing syndrome. Also called: Neoplastic Syndromes, Hereditary; Hereditary neoplastic syndrome; Tumor predisposition; Hereditary Cancer Syndrome. Identifiers: Orphanet 140162, MedGen C0027672, MeSH D009386, MONDO:0015356.

Submissions (2):

Ambry Genetics
Classification: Uncertain significance for Hereditary cancer-predisposing syndrome. Last evaluated: 2026-02-19. Review status: criteria provided, single submitter. Criteria: Ambry Variant Classification Scheme 2023. Collection method: clinical testing. Allele origin: germline.
Comment: The p.E218Q variant (also known as c.652G>C), located in coding exon 3 of the TMEM127 gene, results from a G to C substitution at nucleotide position 652. The glutamic acid at codon 218 is replaced by glutamine, an amino acid with highly similar properties. This amino acid position is well conserved in available vertebrate species. In addition, the in silico prediction for this alteration is inconclusive. Based on the available evidence, the clinical significance of this variant remains unclear.

Labcorp Genetics (formerly Invitae), Labcorp
Classification: Uncertain significance for Hereditary pheochromocytoma and paraganglioma. Last evaluated: 2025-10-09. Review status: criteria provided, single submitter. Criteria: Invitae Variant Classification Sherloc (09022015). Collection method: clinical testing. Allele origin: germline.
Comment: This sequence change replaces glutamic acid, which is acidic and polar, with glutamine, which is neutral and polar, at codon 218 of the TMEM127 protein (p.Glu218Gln). This variant is not present in population databases (gnomAD no frequency). This variant has not been reported in the literature in individuals affected with TMEM127-related conditions. An algorithm developed to predict the effect of missense changes on protein structure and function (PolyPhen-2) suggests that this variant is likely to be tolerated. In summary, the available evidence is currently insufficient to determine the role of this variant in disease. Therefore, it has been classified as a Variant of Uncertain Significance.